The following is an entry in ClinVar:

NM_006009.4(TUBA1A):c.919C>T (p.Pro307Ser)

Gene: TUBA1A (tubulin alpha 1a; minus strand). Cytogenetic location: 12q13.12.
Variant type: single nucleotide variant.
Coding change: c.919C>T on transcript NM_006009.4 (MANE Select); coding-DNA position 919, C replaced by T.
Protein change: p.Pro307Ser; replaces proline 307 with serine.
Molecular consequence: missense variant.
Genome position (GRCh38, 1-based): chr12:49,185,447, G>A on the plus strand (C>T on the coding strand, the complement: TUBA1A is on the minus strand). VCF-style: chr12-49185447-G-A. GRCh37 (hg19) VCF-style: chr12-49579230-G-A.
Other names: c.919C>T, p.Pro307Ser (NM_001270399.2); c.814C>T, p.Pro272Ser (NM_001270400.2); short protein forms P307S, P272S.
Identifiers: ClinVar variation 431850 (VCV000431850.3), dbSNP rs1555162327, ClinGen allele CA384638403.

ClinVar aggregate classification (germline): Pathogenic/Likely pathogenic. Review status: criteria provided, multiple submitters, no conflicts (2 of 4 stars). 2 submissions from 2 submitters: Pathogenic (1); Likely pathogenic (1). Last evaluated 2026-08-21.

Conditions:
Tubulinopathy. Also called: Tubulinopathies. Identifiers: MedGen CN850169, MONDO:0100153.

Submissions (2):

GeneDx
Classification: Pathogenic. Last evaluated: 2026-08-21. Review status: criteria provided, single submitter. Criteria: GeneDx Variant Classification Process June 2021. Collection method: clinical testing. Allele origin: germline.
Comment: Not observed at significant frequency in large population cohorts (gnomAD); Missense variants in this gene are a common cause of disease and they are underrepresented in the general population; In silico analysis supports that this missense variant has a deleterious effect on protein structure/function; This variant is associated with the following publications: (PMID: 30744660, 33528536)

Institute of Human Genetics, FAU Erlangen, Friedrich-Alexander-Universität Erlangen-Nürnberg
Classification: Likely pathogenic for Tubulinopathies. Last evaluated: 2018-07-01. Review status: criteria provided, single submitter. Criteria: ACMG Guidelines, 2015. Collection method: literature only. Allele origin: germline. Affected: yes. Observed: 1 variant allele.
Comment: The c.919C>T, p.(Pro307Ser) variant has been reported as a variant of germline/unknown origin.

Literature cited by the submitters: PubMed 30744660 (cited by Institute of Human Genetics, FAU Erlangen, Friedrich-Alexander-Universität Erlangen-Nürnberg); DOI 10.1101/427948 (cited by Institute of Human Genetics, FAU Erlangen, Friedrich-Alexander-Universität Erlangen-Nürnberg).